The following is an entry in ClinVar:

NM_000304.4(PMP22):c.434T>G (p.Leu145Arg)

Gene: PMP22 (peripheral myelin protein 22; minus strand). Cytogenetic location: 17p12.
Variant type: single nucleotide variant.
Coding change: c.434T>G on transcript NM_000304.4 (MANE Select); coding-DNA position 434, T replaced by G.
Protein change: p.Leu145Arg; replaces leucine 145 with arginine.
Molecular consequence: missense variant. On other transcripts: non-coding transcript variant (2).
Genome position (GRCh38, 1-based): chr17:15,230,966, A>C on the plus strand (T>G on the coding strand, the complement: PMP22 is on the minus strand). VCF-style: chr17-15230966-A-C. GRCh37 (hg19) VCF-style: chr17-15134283-A-C.
Other names: c.434T>G, p.Leu145Arg (NM_001281455.2, NM_001281456.2, NM_153321.3 and 1 more transcripts); short protein forms L145R.
Identifiers: ClinVar variation 1046822 (VCV001046822.5), dbSNP rs1906263385, ClinGen allele CA398739539.

ClinVar aggregate classification (germline): Likely pathogenic (1 of 4 stars; one submission).

Conditions:
Charcot-Marie-Tooth disease, type I (CMT1). Also called: Charcot-Marie-Tooth, Type 1; Charcot-Marie-Tooth disease type 1. Identifiers: Orphanet 65753, MedGen C0751036, MONDO:0019011.

Submission:

Labcorp Genetics (formerly Invitae), Labcorp
Classification: Likely pathogenic for Charcot-Marie-Tooth disease, type I. Last evaluated: 2021-05-27. Review status: criteria provided, single submitter. Criteria: Invitae Variant Classification Sherloc (09022015). Collection method: clinical testing. Allele origin: germline.
Comment: This sequence change replaces leucine with arginine at codon 145 of the PMP22 protein (p.Leu145Arg). The leucine residue is highly conserved and there is a moderate physicochemical difference between leucine and arginine. In summary, the currently available evidence indicates that the variant is pathogenic, but additional data are needed to prove that conclusively. Therefore, this variant has been classified as Likely Pathogenic. Advanced modeling of protein sequence and biophysical properties (such as structural, functional, and spatial information, amino acid conservation, physicochemical variation, residue mobility, and thermodynamic stability) performed at Invitae indicates that this missense variant is expected to disrupt PMP22 protein function. This variant has been observed in individual(s) with clinical features of Charcot-Marie-Tooth disease (Invitae). It has also been observed to segregate with disease in related individuals. ClinVar contains an entry for this variant (Variation ID: 1046822). This variant is not present in population databases (ExAC no frequency).